The following is an entry in ClinVar:

ClinVar aggregate classification (germline): Uncertain significance. Review status: criteria provided, multiple submitters, no conflicts (2 of 4 stars). 3 submissions from 3 submitters: Uncertain significance (3). Last evaluated 2025-04-09.

Conditions:
Atrioventricular septal defect 4 (AVSD4). Identifiers: MedGen C3280781, MONDO:0013747, OMIM 614430.
Cardiovascular phenotype. Identifiers: MedGen CN230736.

Allele frequency attached by ClinVar (database versions not stated): TOPMed 0.00002; gnomAD 0.00003.
gnomAD v4.1: 10 of 1,369,800 alleles (0.00073%); highest among the groups gnomAD compares: African/African-American, 0.0091%; no homozygotes.

Submissions (3):

Ambry Genetics
Classification: Uncertain significance for Cardiovascular phenotype. Last evaluated: 2025-04-09. Review status: criteria provided, single submitter. Criteria: Ambry Variant Classification Scheme 2023. Collection method: clinical testing. Allele origin: germline.

GeneDx
Classification: Uncertain significance. Last evaluated: 2024-02-27. Review status: criteria provided, single submitter. Criteria: GeneDx Variant Classification Process June 2021. Collection method: clinical testing. Allele origin: germline. Affected: yes.
Comment: Not observed at significant frequency in large population cohorts (gnomAD); In silico analysis supports that this missense variant has a deleterious effect on protein structure/function; Has not been previously published as pathogenic or benign to our knowledge

Labcorp Genetics (formerly Invitae), Labcorp
Classification: Uncertain significance for Atrioventricular septal defect 4. Last evaluated: 2023-03-22. Review status: criteria provided, single submitter. Criteria: Invitae Variant Classification Sherloc (09022015). Collection method: clinical testing. Allele origin: germline.
Comment: This sequence change replaces proline, which is neutral and non-polar, with glutamine, which is neutral and polar, at codon 87 of the GATA4 protein (p.Pro87Gln). This variant is not present in population databases (gnomAD no frequency). This variant has not been reported in the literature in individuals affected with GATA4-related conditions. ClinVar contains an entry for this variant (Variation ID: 937723). Advanced modeling of protein sequence and biophysical properties (such as structural, functional, and spatial information, amino acid conservation, physicochemical variation, residue mobility, and thermodynamic stability) performed at Invitae indicates that this missense variant is not expected to disrupt GATA4 protein function. In summary, the available evidence is currently insufficient to determine the role of this variant in disease. Therefore, it has been classified as a Variant of Uncertain Significance.

NM_001308093.3(GATA4):c.260C>A (p.Pro87Gln)

Gene: GATA4 (GATA binding protein 4). Cytogenetic location: 8p23.1.
Variant type: single nucleotide variant.
Coding change: c.260C>A on transcript NM_001308093.3 (MANE Select); coding-DNA position 260, C replaced by A.
Protein change: p.Pro87Gln; replaces proline 87 with glutamine.
Molecular consequence: missense variant. On other transcripts: intron variant (3).
Genome position (GRCh38, 1-based): chr8:11,708,572, C>A. VCF-style: chr8-11708572-C-A. GRCh37 (hg19) VCF-style: chr8-11566081-C-A.
Other names: c.260C>A, p.Pro87Gln (NM_002052.5); c.-6+7794C>A (NM_001308094.2); c.-3+558C>A (NM_001374274.1); c.-3+4268C>A (NM_001374273.1); short protein forms P87Q.
Identifiers: ClinVar variation 937723 (VCV000937723.11), dbSNP rs1050251819, ClinGen allele CA172074716.